The following is an entry in ClinVar:

NC_000011.9:g.(?_22225330)_(22225416_?)del

Gene: ANO5 (anoctamin 5; plus strand). Cytogenetic location: 11p14.3.
Variant type: Deletion.
Identifiers: ClinVar variation 1432460 (VCV001432460.9).

ClinVar aggregate classification (germline): Pathogenic (1 of 4 stars; one submission).

Conditions:
Gnathodiaphyseal dysplasia (GDD). Also called: GNATHODIAPHYSEAL SCLEROSIS; OSTEOGENESIS IMPERFECTA WITH UNUSUAL SKELETAL LESIONS. Identifiers: Orphanet 53697, MedGen C1833736, MONDO:0008151, OMIM 166260.
Autosomal recessive limb-girdle muscular dystrophy type 2L (LGMDR12). Also called: Limb-girdle muscular dystrophy, type 2L; Limb-Girdle Muscular Dystrophy R12 Anoctamin-5-Related (LGMD-R12); MUSCULAR DYSTROPHY, LIMB-GIRDLE, AUTOSOMAL RECESSIVE 12. Identifiers: Orphanet 206549, MedGen C1969785, MONDO:0012652, OMIM 611307.

Submission:

Labcorp Genetics (formerly Invitae), Labcorp
Classification: Pathogenic for Autosomal recessive limb-girdle muscular dystrophy type 2L; Gnathodiaphyseal dysplasia. Last evaluated: 2023-10-03. Review status: criteria provided, single submitter. Criteria: Invitae Variant Classification Sherloc (09022015). Collection method: clinical testing. Allele origin: germline.
Comment: This variant is a gross deletion of the genomic region encompassing exon(s) 2 of the ANO5 gene. This deletion is out-of-frame, and is expected to create a premature termination codon and result in an absent or disrupted protein product. Loss-of-function variants in ANO5 are known to be pathogenic (PMID: 21186264, 23606453, 25891276, 30919934). This variant has not been reported in the literature in individuals affected with ANO5-related conditions. For these reasons, this variant has been classified as Pathogenic.

Literature cited by the submitters: PubMed 21186264; PubMed 23606453; PubMed 25891276; PubMed 30919934.